The following is an entry in ClinVar:

NM_001184.4(ATR):c.2671C>A (p.His891Asn)

Gene: ATR (ATR checkpoint kinase; minus strand). Cytogenetic location: 3q23.
Variant type: single nucleotide variant.
Coding change: c.2671C>A on transcript NM_001184.4 (MANE Select); coding-DNA position 2671, C replaced by A.
Protein change: p.His891Asn; replaces histidine 891 with asparagine.
Molecular consequence: missense variant.
Genome position (GRCh38, 1-based): chr3:142,553,361, G>T on the plus strand (C>A on the coding strand, the complement: ATR is on the minus strand). VCF-style: chr3-142553361-G-T. GRCh37 (hg19) VCF-style: chr3-142272203-G-T.
Other names: c.2479C>A, p.His827Asn (NM_001354579.2); short protein forms H891N, H827N.
Identifiers: ClinVar variation 1794555 (VCV001794555.7), dbSNP rs139224919, ClinGen allele CA354814802.
Genomic context (GRCh38, chr3:142,553,361, plus strand): 5'-TTTCTGTGTATGCTGCTCCAGAGACAGATGCTGACTTGGATAACAAACAATGCAATAAGT[G>T]TAAGAGTGCAAATGGTACCAAATCTCCTTTTGCGGCCCTAAAATTAAAAACAACATACAT-3'
Protein context (NP_001175.2, residues 881-901): KGDLVPFALL[His891Asn]LLHCLLSKSA

ClinVar aggregate classification (germline): Uncertain significance. Review status: criteria provided, multiple submitters, no conflicts (2 of 4 stars). 2 submissions from 2 submitters: Uncertain significance (2). Last evaluated 2024-01-09.

Conditions:
Inborn genetic diseases. Identifiers: MedGen C0950123, MeSH D030342.

Allele frequency attached by ClinVar (database versions not stated): gnomAD exomes below 0.00001.
gnomAD v4.1: 7 of 1,613,952 alleles (0.00043%); highest among the groups gnomAD compares: East Asian, 0.0022%; no homozygotes.

Submissions (2):

Ambry Genetics
Classification: Uncertain significance for Inborn genetic diseases. Last evaluated: 2024-01-09. Review status: criteria provided, single submitter. Criteria: Ambry Variant Classification Scheme 2023. Collection method: clinical testing. Allele origin: germline.
Comment: The p.H891N variant (also known as c.2671C>A), located in coding exon 13 of the ATR gene, results from a C to A substitution at nucleotide position 2671. The histidine at codon 891 is replaced by asparagine, an amino acid with similar properties. This amino acid position is conserved. In addition, this alteration is predicted to be tolerated by in silico analysis. Since supporting evidence is limited at this time, the clinical significance of this alteration remains unclear.

Labcorp Genetics (formerly Invitae), Labcorp
Classification: Uncertain significance. Last evaluated: 2022-05-12. Review status: criteria provided, single submitter. Criteria: Invitae Variant Classification Sherloc (09022015). Collection method: clinical testing. Allele origin: germline.
Comment: In summary, the available evidence is currently insufficient to determine the role of this variant in disease. Therefore, it has been classified as a Variant of Uncertain Significance. Algorithms developed to predict the effect of missense changes on protein structure and function are either unavailable or do not agree on the potential impact of this missense change (SIFT: "Tolerated"; PolyPhen-2: "Possibly Damaging"; Align-GVGD: "Class C15"). This variant has not been reported in the literature in individuals affected with ATR-related conditions. This variant is not present in population databases (gnomAD no frequency). This sequence change replaces histidine, which is basic and polar, with asparagine, which is neutral and polar, at codon 891 of the ATR protein (p.His891Asn).